The following is an entry in ClinVar:

NM_006258.4(PRKG1):c.1174-217T>C

Gene: PRKG1 (protein kinase cGMP-dependent 1; plus strand). Cytogenetic location: 10q21.1.
Variant type: single nucleotide variant.
Coding change: c.1174-217T>C on transcript NM_006258.4 (MANE Select); 217 bases into the intron before coding-DNA position 1174, T replaced by C.
Molecular consequence: intron variant.
Genome position (GRCh38, 1-based): chr10:52,271,133, T>C. VCF-style: chr10-52271133-T-C. GRCh37 (hg19) VCF-style: chr10-54030893-T-C.
Other names: c.1129-217T>C (NM_001098512.3).
Identifiers: ClinVar variation 679460 (VCV000679460.1), dbSNP rs74135384, ClinGen allele CA207399762.

ClinVar aggregate classification (germline): Benign (1 of 4 stars; one submission).

Allele frequency attached by ClinVar (database versions not stated): gnomAD 0.02572 and 0.02747; TOPMed 0.02942; 1000 Genomes Project 0.03135; 1000 Genomes Project 30x 0.03326.
gnomAD v4.1: 3,878 of 152,138 alleles (2.5%); highest among the groups gnomAD compares: African/African-American, 8.8%; 146 homozygotes.

Submission:

GeneDx
Classification: Benign. Last evaluated: 2018-06-14. Review status: criteria provided, single submitter. Criteria: GeneDx Variant Classification (06012015). Collection method: clinical testing. Allele origin: germline. Affected: yes.
Comment: This variant is considered likely benign or benign based on one or more of the following criteria: it is a conservative change, it occurs at a poorly conserved position in the protein, it is predicted to be benign by multiple in silico algorithms, and/or has population frequency not consistent with disease.